The following is an entry in ClinVar:

ClinVar aggregate classification (germline): Uncertain significance (1 of 4 stars; one submission).

Allele frequency attached by ClinVar (database versions not stated): gnomAD exomes 0.00001.
gnomAD v4.1: 5 of 1,613,908 alleles (0.00031%); highest among the groups gnomAD compares: Non-Finnish European, 0.00042%; no homozygotes.

Submission:

Labcorp Genetics (formerly Invitae), Labcorp
Classification: Uncertain significance. Last evaluated: 2023-03-02. Review status: criteria provided, single submitter. Criteria: Invitae Variant Classification Sherloc (09022015). Collection method: clinical testing. Allele origin: germline.
Comment: In summary, the available evidence is currently insufficient to determine the role of this variant in disease. Therefore, it has been classified as a Variant of Uncertain Significance. An algorithm developed to predict the effect of missense changes on protein structure and function (PolyPhen-2) suggests that this variant is likely to be disruptive. This variant has not been reported in the literature in individuals affected with CFH-related conditions. This variant is not present in population databases (gnomAD no frequency). This sequence change replaces proline, which is neutral and non-polar, with serine, which is neutral and polar, at codon 25 of the CFH protein (p.Pro25Ser).

NM_000186.4(CFH):c.73C>T (p.Pro25Ser)

Gene: CFH (complement factor H; plus strand). Cytogenetic location: 1q31.3.
Variant type: single nucleotide variant.
Coding change: c.73C>T on transcript NM_000186.4 (MANE Select); coding-DNA position 73, C replaced by T.
Protein change: p.Pro25Ser; replaces proline 25 with serine.
Molecular consequence: missense variant.
Genome position (GRCh38, 1-based): chr1:196,672,992, C>T. VCF-style: chr1-196672992-C-T. GRCh37 (hg19) VCF-style: chr1-196642122-C-T.
Other names: c.73C>T, p.Pro25Ser (NM_001014975.3); short protein forms P25S.
Identifiers: ClinVar variation 2874923 (VCV002874923.3), dbSNP rs2529329171, ClinGen allele CA343995274.
Genomic context (GRCh38, chr1:196,672,992, plus strand): 5'-TTTAAATAGACACTTTATGCACTTATTTTGTTTTTATTGTTTGTAGATTGCAATGAACTT[C>T]CTCCAAGAAGAAATACAGAAATTCTGACAGGTTCCTGGTCTGACCAAACATATCCAGAAG-3'
Protein context (NP_000177.2, residues 15-35): ICVAEDCNEL[Pro25Ser]PRRNTEILTG